The following is an entry in ClinVar:

ClinVar aggregate classification (germline): Uncertain significance (1 of 4 stars; one submission).

Conditions:
Cardiovascular phenotype. Identifiers: MedGen CN230736.

Submission:

Ambry Genetics
Classification: Uncertain significance for Cardiovascular phenotype. Last evaluated: 2024-12-14. Review status: criteria provided, single submitter. Criteria: Ambry Variant Classification Scheme 2023. Collection method: clinical testing. Allele origin: germline.
Comment: The p.E3489Q variant (also known as c.10465G>C), located in coding exon 42 of the AKAP9 gene, results from a G to C substitution at nucleotide position 10465. The glutamic acid at codon 3489 is replaced by glutamine, an amino acid with highly similar properties. This amino acid position is conserved. In addition, this alteration is predicted to be tolerated by in silico analysis. Based on the available evidence, the clinical significance of this variant remains unclear.

NM_005751.5(AKAP9):c.10465G>C (p.Glu3489Gln)

Gene: AKAP9 (A-kinase anchoring protein 9; plus strand). Cytogenetic location: 7q21.2.
Variant type: single nucleotide variant.
Coding change: c.10465G>C on transcript NM_005751.5 (MANE Select); coding-DNA position 10465, G replaced by C.
Protein change: p.Glu3489Gln; replaces glutamic acid 3489 with glutamine.
Molecular consequence: missense variant.
Genome position (GRCh38, 1-based): chr7:92,097,652, G>C. VCF-style: chr7-92097652-G-C. GRCh37 (hg19) VCF-style: chr7-91726966-G-C.
Other names: c.5110G>C, p.Glu1704Gln (NM_001379277.1); c.10441G>C, p.Glu3481Gln (NM_147185.3); short protein forms E3481Q, E1704Q, E3489Q.
Identifiers: ClinVar variation 3849188 (VCV003849188.1).